The following is an entry in ClinVar:

NM_001079843.3(CASZ1):c.922C>T (p.Arg308Trp)

Gene: CASZ1 (castor zinc finger 1; minus strand). Cytogenetic location: 1p36.22.
Variant type: single nucleotide variant.
Coding change: c.922C>T on transcript NM_001079843.3 (MANE Select); coding-DNA position 922, C replaced by T.
Protein change: p.Arg308Trp; replaces arginine 308 with tryptophan.
Molecular consequence: missense variant.
Genome position (GRCh38, 1-based): chr1:10,660,120, G>A on the plus strand (C>T on the coding strand, the complement: CASZ1 is on the minus strand). VCF-style: chr1-10660120-G-A. GRCh37 (hg19) VCF-style: chr1-10720177-G-A.
Other names: c.922C>T, p.Arg308Trp (NM_017766.5); short protein forms R308W.
Identifiers: ClinVar variation 2987693 (VCV002987693.3), dbSNP rs774127234, ClinGen allele CA585283.
Genomic context (GRCh38, chr1:10,660,120, plus strand): 5'-GGGGCCGCAGATTCTCGCCGGTCTTCAGTTTTTGGATGAAGAAGTCGTACTTGGAGGCCC[G>A]GGCTACCAGGTTCTGCATCTGGACACTGCTGTGCGACGGCAGGGGCAGGATGGTGGCCTT-3'
Protein context (NP_001073312.1, residues 298-318): SSVQMQNLVA[Arg308Trp]ASKYDFFIQK

ClinVar aggregate classification (germline): Uncertain significance (1 of 4 stars; one submission).

Allele frequency attached by ClinVar (database versions not stated): ExAC 0.00001; gnomAD exomes 0.00001; TOPMed 0.00001.
gnomAD v4.1: 14 of 1,614,112 alleles (0.00087%); highest among the groups gnomAD compares: Non-Finnish European, 0.0012%; no homozygotes.

Submission:

Labcorp Genetics (formerly Invitae), Labcorp
Classification: Uncertain significance. Last evaluated: 2023-07-27. Review status: criteria provided, single submitter. Criteria: Invitae Variant Classification Sherloc (09022015). Collection method: clinical testing. Allele origin: germline.
Comment: In summary, the available evidence is currently insufficient to determine the role of this variant in disease. Therefore, it has been classified as a Variant of Uncertain Significance. An algorithm developed to predict the effect of missense changes on protein structure and function (PolyPhen-2) suggests that this variant is likely to be disruptive. This variant has not been reported in the literature in individuals affected with CASZ1-related conditions. This variant is present in population databases (rs774127234, gnomAD 0.006%). This sequence change replaces arginine, which is basic and polar, with tryptophan, which is neutral and slightly polar, at codon 308 of the CASZ1 protein (p.Arg308Trp).